The following is an entry in ClinVar:

NM_014908.4(DOLK):c.650A>G (p.Glu217Gly)

Gene: DOLK (dolichol kinase; minus strand). Cytogenetic location: 9q34.11.
Variant type: single nucleotide variant.
Coding change: c.650A>G on transcript NM_014908.4 (MANE Select); coding-DNA position 650, A replaced by G.
Protein change: p.Glu217Gly; replaces glutamic acid 217 with glycine.
Molecular consequence: missense variant.
Genome position (GRCh38, 1-based): chr9:128,946,654, T>C on the plus strand (A>G on the coding strand, the complement: DOLK is on the minus strand). VCF-style: chr9-128946654-T-C. GRCh37 (hg19) VCF-style: chr9-131708933-T-C.
Other names: short protein forms E217G.
Identifiers: ClinVar variation 1753947 (VCV001753947.2), dbSNP rs2492004518, ClinGen allele CA375123977.

ClinVar aggregate classification (germline): Uncertain significance (1 of 4 stars; one submission).

Conditions:
Cardiovascular phenotype. Identifiers: MedGen CN230736.

Submission:

Ambry Genetics
Classification: Uncertain significance for Cardiovascular phenotype. Last evaluated: 2022-01-10. Review status: criteria provided, single submitter. Criteria: Ambry Variant Classification Scheme 2023. Collection method: clinical testing. Allele origin: germline.
Comment: The p.E217G variant (also known as c.650A>G), located in coding exon 1 of the DOLK gene, results from an A to G substitution at nucleotide position 650. The glutamic acid at codon 217 is replaced by glycine, an amino acid with similar properties. This amino acid position is conserved. In addition, this alteration is predicted to be tolerated by in silico analysis. Since supporting evidence is limited at this time, the clinical significance of this alteration remains unclear.